The following is an entry in ClinVar:

ClinVar aggregate classification (germline): Likely benign (1 of 4 stars; one submission).

Allele frequency attached by ClinVar (database versions not stated): 1000 Genomes Project 30x 0.00344; 1000 Genomes Project 0.00399; TOPMed 0.00495; ESP Exome Variant Server 0.00523; gnomAD 0.00540; ExAC 0.00632; gnomAD exomes 0.00720.
gnomAD v4.1: 11,390 of 1,613,984 alleles (0.71%); highest among the groups gnomAD compares: Non-Finnish European, 0.76%; 49 homozygotes.

Submission:

CeGaT Center for Human Genetics Tuebingen
Classification: Likely benign. Last evaluated: 2024-01-01. Review status: criteria provided, single submitter. Criteria: CeGaT Center For Human Genetics Tuebingen Variant Classification Criteria Version 2. Collection method: clinical testing. Allele origin: germline. Affected: yes. Observed: 2 variant alleles.
Comment: CFAP45: BP4, BP7, BS2

NM_012337.3(CFAP45):c.1326C>T (p.Asp442=)

Gene: CFAP45 (cilia and flagella associated protein 45; minus strand). Cytogenetic location: 1q23.2.
Variant type: single nucleotide variant.
Coding change: c.1326C>T on transcript NM_012337.3 (MANE Select); coding-DNA position 1326, C replaced by T.
Protein change: p.Asp442=; no amino-acid change (aspartic acid 442 retained).
Molecular consequence: synonymous variant.
Genome position (GRCh38, 1-based): chr1:159,876,582, G>A on the plus strand (C>T on the coding strand, the complement: CFAP45 is on the minus strand). VCF-style: chr1-159876582-G-A. GRCh37 (hg19) VCF-style: chr1-159846372-G-A.
Identifiers: ClinVar variation 2639487 (VCV002639487.24), dbSNP rs77150830, ClinGen allele CA1190865.